The following is an entry in ClinVar:

NM_144668.6(CFAP251):c.1333C>T (p.Leu445Phe)

Gene: CFAP251 (cilia and flagella associated protein 251; plus strand). Cytogenetic location: 12q24.31.
Variant type: single nucleotide variant.
Coding change: c.1333C>T on transcript NM_144668.6 (MANE Select); coding-DNA position 1333, C replaced by T.
Protein change: p.Leu445Phe; replaces leucine 445 with phenylalanine.
Molecular consequence: missense variant.
Genome position (GRCh38, 1-based): chr12:121,954,132, C>T. VCF-style: chr12-121954132-C-T. GRCh37 (hg19) VCF-style: chr12-122392038-C-T.
Other names: NC_000012.11:g.122392038C>T; c.1333C>T, p.Leu445Phe (NM_001178003.2); short protein forms L445F.
Identifiers: ClinVar variation 3060409 (VCV003060409.3), dbSNP rs11043265, ClinGen allele CA6840606.

ClinVar aggregate classification (germline): Benign (0 of 4 stars; one submission).

Conditions:
CFAP251-related disorder. Also called: CFAP251-related condition.

Allele frequency attached by ClinVar (database versions not stated): gnomAD exomes 0.07949; ExAC 0.13709; ESP Exome Variant Server 0.19622; gnomAD 0.20974; TOPMed 0.22340; 1000 Genomes Project 0.31050; 1000 Genomes Project 30x 0.31590.
gnomAD v4.1: 149,850 of 1,613,332 alleles (9.3%); highest among the groups gnomAD compares: African/African-American, 56%; 19,858 homozygotes.

Submissions (5):

PreventionGenetics, part of Exact Sciences
Classification: Benign for CFAP251-related condition. Last evaluated: 2019-10-21. Review status: no assertion criteria provided. Collection method: clinical testing. Allele origin: germline.
Comment: This variant is classified as benign based on ACMG/AMP sequence variant interpretation guidelines (Richards et al. 2015 PMID: 25741868, with internal and published modifications).

Dr. Peter K. Rogan Lab, Western University
No classification provided (evidence only). Condition: Colorectal cancer. Review status: no classification provided. Collection method: in vitro. Allele origin: not applicable. Functional consequence: retained intron. Not counted in ClinVar's aggregate classification.

Dr. Peter K. Rogan Lab, Western University
No classification provided (evidence only). Condition: Colorectal cancer. Review status: no classification provided. Collection method: in vitro. Allele origin: not applicable. Functional consequence: retained intron. Not counted in ClinVar's aggregate classification.

Dr. Peter K. Rogan Lab, Western University
No classification provided (evidence only). Condition: Adrenocortical carcinoma, hereditary. Review status: no classification provided. Collection method: in vitro. Allele origin: not applicable. Functional consequence: retained intron. Not counted in ClinVar's aggregate classification.

Dr. Peter K. Rogan Lab, Western University
No classification provided (evidence only). Condition: Uterine carcinosarcoma. Review status: no classification provided. Collection method: in vitro. Allele origin: not applicable. Functional consequence: retained intron. Not counted in ClinVar's aggregate classification.